The following is an entry in ClinVar:

NM_001385875.1(ZFYVE27):c.242A>G (p.Asn81Ser)

Gene: ZFYVE27 (zinc finger FYVE-type containing 27; plus strand). Cytogenetic location: 10q24.2.
Variant type: single nucleotide variant.
Coding change: c.242A>G on transcript NM_001385875.1 (MANE Select); coding-DNA position 242, A replaced by G.
Protein change: p.Asn81Ser; replaces asparagine 81 with serine.
Molecular consequence: missense variant. On other transcripts: non-coding transcript variant (13), intron variant (21).
Genome position (GRCh38, 1-based): chr10:97,743,138, A>G. VCF-style: chr10-97743138-A-G. GRCh37 (hg19) VCF-style: chr10-99502895-A-G.
Other names: c.242A>G, p.Asn81Ser (NM_001002261.4, NM_001002262.4, NM_001385871.1 and 12 more transcripts); c.38A>G, p.Asn13Ser (NM_001385890.1, NM_001385891.1, NM_001385892.1 and 6 more transcripts); c.32-1591A>G (NM_001385903.1, NM_001385899.1, NM_001385904.1 and 3 more transcripts); c.197+4464A>G (NM_001385902.1, NM_001385908.1, NM_001385901.1 and 5 more transcripts); c.173-1591A>G (NM_001385888.1, NM_001385885.1, NM_001385887.1 and 1 more transcripts); c.-26-1591A>G (NM_001385915.1, NM_001174121.2); c.31+4464A>G (NM_001385919.1); short protein forms N81S, N13S.
Identifiers: ClinVar variation 458217 (VCV000458217.11), dbSNP rs565250413, ClinGen allele CA5635104.

ClinVar aggregate classification (germline): Uncertain significance. Review status: criteria provided, multiple submitters, no conflicts (2 of 4 stars). 2 submissions from 2 submitters: Uncertain significance (2). Last evaluated 2025-07-04.

Conditions:
Spastic paraplegia. Identifiers: MedGen C0037772, HP:0001258.

Allele frequency attached by ClinVar (database versions not stated): gnomAD 0.00002 and 0.00003; TOPMed 0.00003; gnomAD exomes 0.00010; ExAC 0.00012; 1000 Genomes Project 30x 0.00016; 1000 Genomes Project 0.00020.
gnomAD v4.1: 127 of 1,614,196 alleles (0.0079%); highest among the groups gnomAD compares: South Asian, 0.066%; 1 homozygote.

Submissions (2):

Ambry Genetics
Classification: Uncertain significance. Last evaluated: 2025-07-04. Review status: criteria provided, single submitter. Criteria: Ambry Variant Classification Scheme 2023. Collection method: clinical testing. Allele origin: germline.

Labcorp Genetics (formerly Invitae), Labcorp
Classification: Uncertain significance for Spastic paraplegia. Last evaluated: 2022-09-27. Review status: criteria provided, single submitter. Criteria: Invitae Variant Classification Sherloc (09022015). Collection method: clinical testing. Allele origin: germline.
Comment: This variant has not been reported in the literature in individuals affected with ZFYVE27-related conditions. This variant is present in population databases (rs565250413, gnomAD 0.05%), and has an allele count higher than expected for a pathogenic variant. This sequence change replaces asparagine, which is neutral and polar, with serine, which is neutral and polar, at codon 81 of the ZFYVE27 protein (p.Asn81Ser). In summary, the available evidence is currently insufficient to determine the role of this variant in disease. Therefore, it has been classified as a Variant of Uncertain Significance. Algorithms developed to predict the effect of sequence changes on RNA splicing suggest that this variant may create or strengthen a splice site. Algorithms developed to predict the effect of missense changes on protein structure and function (SIFT, PolyPhen-2, Align-GVGD) all suggest that this variant is likely to be disruptive. ClinVar contains an entry for this variant (Variation ID: 458217).